The following is an entry in ClinVar:

NM_001374736.1(DST):c.17680+1G>A

Gene: DST (dystonin; minus strand). Cytogenetic location: 6p12.1.
Variant type: single nucleotide variant.
Coding change: c.17680+1G>A on transcript NM_001374736.1 (MANE Select); the canonical splice donor site of the intron after coding-DNA position 17680, G replaced by A.
Molecular consequence: splice donor variant.
Genome position (GRCh38, 1-based): chr6:56,528,840, C>T on the plus strand (G>A on the coding strand, the complement: DST is on the minus strand). VCF-style: chr6-56528840-C-T. GRCh37 (hg19) VCF-style: chr6-56393638-C-T.
Other names: c.11323+1G>A (NM_001144769.5); c.17680+1G>A (NM_001374722.1); c.9811+1G>A (NM_015548.5); c.17707+1G>A (NM_001374734.1); c.10909+1G>A (NM_001144770.2); c.10462+1G>A (NM_001374730.1); c.10789+1G>A (NM_001386100.1, NM_183380.4); c.16720+1G>A (NM_001374729.1).
Identifiers: ClinVar variation 1728681 (VCV001728681.2), dbSNP rs2534813697, ClinGen allele CA364507197.
Genomic context (GRCh38, chr6:56,528,840, plus strand): 5'-ATATTTTGAAAACAATATAAAATGCTGACCACATGATGATTTGATTTGAAAGATATCTCA[C>T]CTGTGGTTTGTTTAAGTAGTTCTAAACCATTTAGTAAAGCCTGATCTACATTTTGTTTCC-3'

ClinVar aggregate classification (germline): Likely pathogenic (1 of 4 stars; one submission).

Conditions:
Inborn genetic diseases. Identifiers: MedGen C0950123, MeSH D030342.

Submission:

Ambry Genetics
Classification: Likely pathogenic for Inborn genetic diseases. Last evaluated: 2020-09-23. Review status: criteria provided, single submitter. Criteria: Ambry Variant Classification Scheme 2023. Collection method: clinical testing. Allele origin: germline.
Comment: The c.11323+1G>A intronic variant results from a G to A substitution one nucleotide after coding exon 61 of the DST gene. This variant was not reported in population-based cohorts in the Genome Aggregation Database (gnomAD). In silico splice site analysis predicts that this alteration will weaken the native splice donor site. Alterations that disrupt the canonical splice site are expected to cause aberrant splicing, resulting in an abnormal protein or a transcript that is subject to nonsense-mediated mRNA decay. As such, this alteration is classified as likely pathogenic.